The following is an entry in ClinVar:

ClinVar aggregate classification (germline): Uncertain significance (1 of 4 stars; one submission).

Conditions:
Holoprosencephaly 11 (HPE11). Identifiers: Orphanet 2162, MedGen C3280215, MONDO:0013642, OMIM 614226.

gnomAD v4.1: 1 of 1,614,152 alleles (0.000062%); highest among the groups gnomAD compares: Admixed American, 0.0017%; no homozygotes.

Submission:

Labcorp Genetics (formerly Invitae), Labcorp
Classification: Uncertain significance for Holoprosencephaly 11. Last evaluated: 2024-03-10. Review status: criteria provided, single submitter. Criteria: Invitae Variant Classification Sherloc (09022015). Collection method: clinical testing. Allele origin: germline.
Comment: This sequence change replaces threonine, which is neutral and polar, with arginine, which is basic and polar, at codon 590 of the CDON protein (p.Thr590Arg). This variant is present in population databases (no rsID available, gnomAD 0.003%). This variant has not been reported in the literature in individuals affected with CDON-related conditions. Advanced modeling of protein sequence and biophysical properties (such as structural, functional, and spatial information, amino acid conservation, physicochemical variation, residue mobility, and thermodynamic stability) performed at Invitae indicates that this missense variant is not expected to disrupt CDON protein function with a negative predictive value of 80%. In summary, the available evidence is currently insufficient to determine the role of this variant in disease. Therefore, it has been classified as a Variant of Uncertain Significance.

NM_001378964.1(CDON):c.1769C>G (p.Thr590Arg)

Gene: CDON (cell adhesion associated, oncogene regulated; minus strand). Cytogenetic location: 11q24.2.
Variant type: single nucleotide variant.
Coding change: c.1769C>G on transcript NM_001378964.1 (MANE Select); coding-DNA position 1769, C replaced by G.
Protein change: p.Thr590Arg; replaces threonine 590 with arginine.
Molecular consequence: missense variant.
Genome position (GRCh38, 1-based): chr11:126,005,841, G>C on the plus strand (C>G on the coding strand, the complement: CDON is on the minus strand). VCF-style: chr11-126005841-G-C. GRCh37 (hg19) VCF-style: chr11-125875736-G-C.
Other names: c.1769C>G, p.Thr590Arg (NM_001243597.3, NM_016952.6); short protein forms T590R.
Identifiers: ClinVar variation 3667511 (VCV003667511.2).